The following is an entry in ClinVar:

ClinVar aggregate classification (germline): Uncertain significance (1 of 4 stars; one submission).

Submission:

Labcorp Genetics (formerly Invitae), Labcorp
Classification: Uncertain significance. Last evaluated: 2022-06-12. Review status: criteria provided, single submitter. Criteria: Invitae Variant Classification Sherloc (09022015). Collection method: clinical testing. Allele origin: germline.
Comment: Algorithms developed to predict the effect of missense changes on protein structure and function (SIFT, PolyPhen-2, Align-GVGD) all suggest that this variant is likely to be disruptive. In summary, the available evidence is currently insufficient to determine the role of this variant in disease. Therefore, it has been classified as a Variant of Uncertain Significance. This variant has not been reported in the literature in individuals affected with NEXMIF-related conditions. This variant is not present in population databases (gnomAD no frequency). This sequence change replaces aspartic acid, which is acidic and polar, with valine, which is neutral and non-polar, at codon 1017 of the NEXMIF protein (p.Asp1017Val).

NM_001008537.3(NEXMIF):c.3050A>T (p.Asp1017Val)

Gene: NEXMIF (neurite extension and migration factor; minus strand). Cytogenetic location: Xq13.3.
Variant type: single nucleotide variant.
Coding change: c.3050A>T on transcript NM_001008537.3 (MANE Select); coding-DNA position 3050, A replaced by T.
Protein change: p.Asp1017Val; replaces aspartic acid 1017 with valine.
Molecular consequence: missense variant.
Genome position (GRCh38, 1-based): chrX:74,741,507, T>A on the plus strand (A>T on the coding strand, the complement: NEXMIF is on the minus strand). VCF-style: chrX-74741507-T-A. GRCh37 (hg19) VCF-style: chrX-73961342-T-A.
Other names: short protein forms D1017V.
Identifiers: ClinVar variation 2005292 (VCV002005292.4), dbSNP rs2519912935, ClinGen allele CA413666829.